The following is an entry in ClinVar:

NM_006767.4(LZTR1):c.1785+2T>C

Gene: LZTR1 (leucine zipper like post translational regulator 1; plus strand). Cytogenetic location: 22q11.21.
Variant type: single nucleotide variant.
Coding change: c.1785+2T>C on transcript NM_006767.4 (MANE Select); the canonical splice donor site of the intron after coding-DNA position 1785, T replaced by C.
Molecular consequence: splice donor variant.
Genome position (GRCh38, 1-based): chr22:20,994,729, T>C. VCF-style: chr22-20994729-T-C. GRCh37 (hg19) VCF-style: chr22-21349018-T-C.
Identifiers: ClinVar variation 3238130 (VCV003238130.4), dbSNP rs1448380294.
Genomic context (GRCh38, chr22:20,994,729, plus strand): 5'-TGCAGAACGTGCTGGTTGTGTGCGAGAGTGCCGCCCGGCTGCAGCTGAGCCAACTCAAGG[T>C]GTGGGGTGGGGTCAGCGCAATCAGGGTTGGGTGGGGTGTGCTCAGGCTTAGGCCCCCTCC-3'

ClinVar aggregate classification (germline): Pathogenic/Likely pathogenic. Review status: criteria provided, multiple submitters, no conflicts (2 of 4 stars). 2 submissions from 2 submitters: Pathogenic (1); Likely pathogenic (1). Last evaluated 2025-01-09.

Conditions:
Noonan syndrome 2 (NS2). Identifiers: Orphanet 648, MedGen C1854469, MONDO:0011531, OMIM 605275.
Hereditary cancer-predisposing syndrome. Also called: Neoplastic Syndromes, Hereditary; Tumor predisposition; Hereditary neoplastic syndrome; Hereditary Cancer Syndrome. Identifiers: Orphanet 140162, MedGen C0027672, MeSH D009386, MONDO:0015356.
Cardiovascular phenotype. Identifiers: MedGen CN230736.

Submissions (2):

Ambry Genetics
Classification: Likely pathogenic for Cardiovascular phenotype; Hereditary cancer-predisposing syndrome. Last evaluated: 2025-01-09. Review status: criteria provided, single submitter. Criteria: Ambry Variant Classification Scheme 2023. Collection method: clinical testing. Allele origin: germline.
Comment: The c.1785+2T>C intronic variant results from a T to C substitution two nucleotides after coding exon 15 in the LZTR1 gene. This nucleotide position is highly conserved in available vertebrate species. In silico splice site analysis predicts that this alteration will weaken the native splice donor site and will result in the creation or strengthening of a novel splice donor site, and RNA studies have demonstrated that this alteration results in abnormal splicing in the set of samples tested (Ambry internal data). Loss-of-function variants in LZTR1 are related to an increased risk for schwannomas and autosomal recessive Noonan syndrome; however, such associations with autosomal dominant Noonan syndrome have not been observed (Piotrowski A et al. Nat Genet. 2014 Feb;46:182-7; Yamamoto GL et al. J Med Genet. 2015 Jun;52:413-21; Johnston JJ et al. Genet Med. 2018 10;20:1175-1185). Based on the supporting evidence, this variant is likely pathogenic for an increased risk of LZTR1-related schwannomatosis (SWN) and would be expected to cause autosomal recessive Noonan syndrome when present along with a second pathogenic or likely pathogenic variant on the other allele; however, the association of this alteration with autosomal dominant Noonan syndrome is unlikely.

Juno Genomics, Hangzhou Juno Genomics, Inc
Classification: Pathogenic for Noonan syndrome 2. Review status: criteria provided, single submitter. Criteria: ACMG Guidelines, 2015. Collection method: clinical testing. Allele origin: germline. Affected: yes.
Comment: Null variant in a gene where loss of function (LOF) is a known mechanism of disease.;Absent from controls (or at extremely low frequency if recessive) in Genome Aggregation Database, Exome Sequencing Project, 1000 Genomes Project, or Exome Aggregation Consortium.;Patient's phenotype or family history is highly specific for a disease with a single genetic etiology.